The following is an entry in ClinVar:

ClinVar aggregate classification (germline): Uncertain significance (1 of 4 stars; one submission).

gnomAD v4.1: 3 of 1,556,300 alleles (0.00019%); no homozygotes.

Submission:

GeneDx
Classification: Uncertain significance. Last evaluated: 2022-10-07. Review status: criteria provided, single submitter. Criteria: GeneDx Variant Classification Process June 2021. Collection method: clinical testing. Allele origin: germline. Affected: yes.
Comment: In silico analysis supports that this missense variant does not alter protein structure/function; Has not been previously published as pathogenic or benign to our knowledge

NM_001002295.2(GATA3):c.10A>G (p.Thr4Ala)

Gene: GATA3 (GATA binding protein 3; plus strand). Cytogenetic location: 10p14.
Variant type: single nucleotide variant.
Coding change: c.10A>G on transcript NM_001002295.2 (MANE Select); coding-DNA position 10, A replaced by G.
Protein change: p.Thr4Ala; replaces threonine 4 with alanine.
Molecular consequence: missense variant.
Genome position (GRCh38, 1-based): chr10:8,055,665, A>G. VCF-style: chr10-8055665-A-G. GRCh37 (hg19) VCF-style: chr10-8097628-A-G.
Other names: c.10A>G, p.Thr4Ala (NM_002051.3); short protein forms T4A.
Identifiers: ClinVar variation 2497861 (VCV002497861.1), dbSNP rs1274932119, ClinGen allele CA375964915.
Genomic context (GRCh38, chr10:8,055,665, plus strand): 5'-CCCGCGCGCGGGTTCCGGGCCCGGCGAGAGGGCGCGAGCACAGCCGAGGCCATGGAGGTG[A>G]CGGCGGACCAGCCGCGCTGGGTGAGCCACCACCACCCCGCCGTGCTCAACGGGCAGCACC-3'
Protein context (NP_001002295.1, residues 1-14): MEV[Thr4Ala]ADQPRWVSHH